The following is an entry in ClinVar:

ClinVar aggregate classification (germline): Uncertain significance (0 of 4 stars; one submission).

Conditions:
F9-related disorder. Also called: F9-related condition.

Allele frequency attached by ClinVar (database versions not stated): TOPMed below 0.00001.

Submission:

PreventionGenetics, part of Exact Sciences
Classification: Uncertain significance for F9-related condition. Last evaluated: 2023-11-07. Review status: no assertion criteria provided. Collection method: clinical testing. Allele origin: germline.
Comment: The F9 c.595G>A variant is predicted to result in the amino acid substitution p.Val199Met. To our knowledge, this variant has not been reported in the literature or in a large population database, indicating this variant is rare. At this time, the clinical significance of this variant is uncertain due to the absence of conclusive functional and genetic evidence.

NM_000133.4(F9):c.595G>A (p.Val199Met)

Gene: F9 (coagulation factor IX; plus strand). Cytogenetic location: Xq27.1.
Variant type: single nucleotide variant.
Coding change: c.595G>A on transcript NM_000133.4 (MANE Select); coding-DNA position 595, G replaced by A.
Protein change: p.Val199Met; replaces valine 199 with methionine.
Molecular consequence: missense variant.
Genome position (GRCh38, 1-based): chrX:139,551,136, G>A. VCF-style: chrX-139551136-G-A. GRCh37 (hg19) VCF-style: chrX-138633295-G-A.
Other names: c.481G>A, p.Val161Met (NM_001313913.2); short protein forms V161M, V199M.
Identifiers: ClinVar variation 3031019 (VCV003031019.2), dbSNP rs1779439235, ClinGen allele CA414440659.